The following is an entry in ClinVar:

ClinVar aggregate classification (germline): Benign. Review status: criteria provided, multiple submitters, no conflicts (2 of 4 stars). 5 submissions from 5 submitters: Benign (5). Last evaluated 2026-02-04.

Conditions:
Congenital ichthyosis of skin. Identifiers: MedGen C0020758.

Allele frequency attached by ClinVar (database versions not stated): TOPMed 0.10553; gnomAD exomes 0.02652 and 0.04229; ExAC 0.04772; ESP Exome Variant Server 0.10165; gnomAD 0.09459 and 0.09801; 1000 Genomes Project 0.11961; 1000 Genomes Project 30x 0.12555.
gnomAD v4.1: 53,765 of 1,613,800 alleles (3.3%); highest among the groups gnomAD compares: African/African-American, 28%; 3,845 homozygotes.

Submissions (5):

Labcorp Genetics (formerly Invitae), Labcorp
Classification: Benign. Last evaluated: 2026-02-04. Review status: criteria provided, single submitter. Criteria: Invitae Variant Classification Sherloc (09022015). Collection method: clinical testing. Allele origin: germline.

Illumina Laboratory Services, Illumina
Classification: Benign for Congenital ichthyosis of skin. Last evaluated: 2018-01-13. Review status: criteria provided, single submitter. Criteria: ICSL Variant Classification Criteria 13 December 2019. Collection method: clinical testing. Allele origin: germline.
Comment: This variant was observed in the ICSL laboratory as part of a predisposition screen in an ostensibly healthy population. It had not been previously curated by ICSL or reported in the Human Gene Mutation Database (HGMD: prior to June 1st, 2018), and was therefore a candidate for classification through an automated scoring system. Utilizing variant allele frequency, disease prevalence and penetrance estimates, and inheritance mode, an automated score was calculated to assess if this variant is too frequent to cause the disease. Based on the score and internal cut-off values, a variant classified as benign is not then subjected to further curation. The score for this variant resulted in a classification of benign for this disease.

GeneDx
Classification: Benign. Last evaluated: 2015-03-03. Review status: criteria provided, single submitter. Criteria: GeneDx Variant Classification Process June 2021. Collection method: clinical testing. Allele origin: germline. Affected: yes.

Breakthrough Genomics
Classification: Benign. Review status: criteria provided, single submitter. Criteria: ACMG Guidelines, 2015. Collection method: not provided. Allele origin: germline. Inheritance: Autosomal recessive inheritance. Affected: yes.

PreventionGenetics, part of Exact Sciences
Classification: Benign. Review status: criteria provided, single submitter. Criteria: ACMG Guidelines, 2015. Collection method: clinical testing. Allele origin: germline.

NM_173076.3(ABCA12):c.5400G>A (p.Thr1800=)

Gene: ABCA12 (ATP binding cassette subfamily A member 12; minus strand). Cytogenetic location: 2q35.
Variant type: single nucleotide variant.
Coding change: c.5400G>A on transcript NM_173076.3 (MANE Select); coding-DNA position 5400, G replaced by A.
Protein change: p.Thr1800=; no amino-acid change (threonine 1800 retained).
Molecular consequence: synonymous variant. On other transcripts: non-coding transcript variant (1).
Genome position (GRCh38, 1-based): chr2:214,974,846, C>T on the plus strand (G>A on the coding strand, the complement: ABCA12 is on the minus strand). VCF-style: chr2-214974846-C-T. GRCh37 (hg19) VCF-style: chr2-215839570-C-T.
Other names: c.4446G>A, p.Thr1482= (NM_015657.4).
Identifiers: ClinVar variation 262829 (VCV000262829.15), dbSNP rs16853022, ClinGen allele CA2091228.